The following is an entry in ClinVar:

ClinVar aggregate classification (germline): Uncertain significance. Review status: criteria provided, multiple submitters, no conflicts (2 of 4 stars). 2 submissions from 2 submitters: Uncertain significance (2). Last evaluated 2025-08-06.

Conditions:
Mitochondrial complex II deficiency, nuclear type 1. Also called: SUCCINATE CoQ REDUCTASE DEFICIENCY. Identifiers: Orphanet 3208, MedGen C5700310, MONDO:0100294, OMIM 252011.
Pheochromocytoma/paraganglioma syndrome 5. Also called: Paragangliomas 5; SDHA-Related Hereditary Paraganglioma-Pheochromocytoma Syndrome. Identifiers: Orphanet 29072, MedGen C3279992, MONDO:0013602, OMIM 614165.
Hereditary cancer-predisposing syndrome. Also called: Neoplastic Syndromes, Hereditary; Tumor predisposition; Hereditary Cancer Syndrome; Hereditary neoplastic syndrome. Identifiers: Orphanet 140162, MedGen C0027672, MeSH D009386, MONDO:0015356.

Submissions (2):

Labcorp Genetics (formerly Invitae), Labcorp
Classification: Uncertain significance for Pheochromocytoma/paraganglioma syndrome 5; Mitochondrial complex II deficiency, nuclear type 1. Last evaluated: 2025-08-06. Review status: criteria provided, single submitter. Criteria: Invitae Variant Classification Sherloc (09022015). Collection method: clinical testing. Allele origin: germline.
Comment: This sequence change replaces valine, which is neutral and non-polar, with leucine, which is neutral and non-polar, at codon 101 of the SDHA protein (p.Val101Leu). This variant is not present in population databases (gnomAD no frequency). This variant has not been reported in the literature in individuals affected with SDHA-related conditions. ClinVar contains an entry for this variant (Variation ID: 3438671). Invitae Evidence Modeling of protein sequence and biophysical properties (such as structural, functional, and spatial information, amino acid conservation, physicochemical variation, residue mobility, and thermodynamic stability) indicates that this missense variant is not expected to disrupt SDHA protein function with a negative predictive value of 95%. In summary, the available evidence is currently insufficient to determine the role of this variant in disease. Therefore, it has been classified as a Variant of Uncertain Significance.

Ambry Genetics
Classification: Uncertain significance for Hereditary cancer-predisposing syndrome. Last evaluated: 2024-08-06. Review status: criteria provided, single submitter. Criteria: Ambry Variant Classification Scheme 2023. Collection method: clinical testing. Allele origin: germline.
Comment: The p.V101L variant (also known as c.301G>C), located in coding exon 3 of the SDHA gene, results from a G to C substitution at nucleotide position 301. The valine at codon 101 is replaced by leucine, an amino acid with highly similar properties. This amino acid position is highly conserved in available vertebrate species. In addition, the in silico prediction for this alteration is inconclusive. Based on the available evidence, the clinical significance of this variant remains unclear.

NM_004168.4(SDHA):c.301G>C (p.Val101Leu)

Gene: SDHA (succinate dehydrogenase complex flavoprotein subunit A; plus strand). Cytogenetic location: 5p15.33.
Variant type: single nucleotide variant.
Coding change: c.301G>C on transcript NM_004168.4 (MANE Select); coding-DNA position 301, G replaced by C.
Protein change: p.Val101Leu; replaces valine 101 with leucine.
Molecular consequence: missense variant.
Genome position (GRCh38, 1-based): chr5:224,510, G>C. VCF-style: chr5-224510-G-C. GRCh37 (hg19) VCF-style: chr5-224625-G-C.
Other names: c.301G>C, p.Val101Leu (NM_001294332.2, NM_001330758.2); short protein forms V101L.
Identifiers: ClinVar variation 3438671 (VCV003438671.2).
Genomic context (GRCh38, chr5:224,510, plus strand): 5'-TCTGAGGCAGGGTTTAATACAGCATGTGTTACCAAGCTGTTTCCTACCAGGTCACACACT[G>C]TTGCAGCACAGGTAAGAGAAAGGTGCCCCACTGTGCTCCCACTCCGTGCAGGTCCCGCGC-3'
Protein context (NP_004159.2, residues 91-111): TKLFPTRSHT[Val101Leu]AAQGGINAAL